The following is an entry in ClinVar:

ClinVar aggregate classification (germline): Conflicting classifications of pathogenicity. Review status: criteria provided, conflicting classifications (1 of 4 stars). 4 submissions from 4 submitters: Likely pathogenic (2); Uncertain significance (2). Last evaluated 2025-12-01.

Conditions:
TTN-related disorder. Also called: TTN-related condition; TTN-related disease; TTN-related disorders.
Autosomal recessive limb-girdle muscular dystrophy type 2J (LGMDR10). Also called: Limb-girdle muscular dystrophy, type 2J; MUSCULAR DYSTROPHY, LIMB-GIRDLE, AUTOSOMAL RECESSIVE 10. Identifiers: Orphanet 140922, MedGen C1837342, MONDO:0012127, OMIM 608807.
Dilated cardiomyopathy 1G (CMD1G). Identifiers: Orphanet 154, MedGen C1858763, MONDO:0011400, OMIM 604145.

Allele frequency attached by ClinVar (database versions not stated): gnomAD 0.00001; gnomAD exomes 0.00001; TOPMed 0.00002.
gnomAD v4.1: 16 of 1,579,664 alleles (0.001%); highest among the groups gnomAD compares: East Asian, 0.0092%; no homozygotes.

Submissions (4):

Labcorp Genetics (formerly Invitae), Labcorp
Classification: Uncertain significance for Dilated cardiomyopathy 1G; Autosomal recessive limb-girdle muscular dystrophy type 2J. Last evaluated: 2025-12-01. Review status: criteria provided, single submitter. Criteria: Invitae Variant Classification Sherloc (09022015). Collection method: clinical testing. Allele origin: germline.
Comment: This sequence change replaces valine, which is neutral and non-polar, with isoleucine, which is neutral and non-polar, at codon 13520 of the TTN protein (p.Val13520Ile). This variant also falls at the last nucleotide of exon 219, which is part of the consensus splice site for this exon. This variant is present in population databases (no rsID available, gnomAD 0.007%). This variant has not been reported in the literature in individuals affected with TTN-related conditions. ClinVar contains an entry for this variant (Variation ID: 515003). Experimental studies and prediction algorithms are not available or were not evaluated, and the functional significance of this variant is currently unknown. Variants that disrupt the consensus splice site are a relatively common cause of aberrant splicing (PMID: 17576681, 9536098). Algorithms developed to predict the effect of sequence changes on RNA splicing suggest that this variant may disrupt the consensus splice site. This variant is located in the I band of TTN (PMID: 25589632). Variants in this region may be clinically relevant, but have not been definitively shown to cause cardiomyopathy or neuromuscular disease (PMID: 27493940, 32778822). This variant disrupts the p.Val13520 amino acid residue in TTN. Other variant(s) that disrupt this residue have been determined to be pathogenic (internal data). This suggests that this residue is clinically significant, and that variants that disrupt this residue are likely to be disease-causing. In summary, the available evidence is currently insufficient to determine the role of this variant in disease. Therefore, it has been classified as a Variant of Uncertain Significance.

PreventionGenetics, part of Exact Sciences
Classification: Likely pathogenic for TTN-related condition. Last evaluated: 2025-10-29. Review status: criteria provided, single submitter. Criteria: ACMG Guidelines, 2015. Collection method: clinical testing. Allele origin: germline.
Comment: The TTN c.40558G>A variant is predicted to result in the amino acid substitution p.Val13520Ile. This variant occurs at the last nucleotide of exon 219 and is predicted to impact the canonical splice donor site based on splicing prediction programs (SpliceAI, Jaganathan K, et al. 2019. PubMed ID: 30661751). However, the use of computer prediction programs is not equivalent to functional evidence. To our knowledge, this variant has not been reported in the literature. However, other splice site variants at this junction (c.40558G>C and c.40558+1G>A) have been reported in multiple individuals with dilated cardiomyopathy (reported as c.35635G>C, p.Val11879 and c.35635+1G>A from transcript NM_001256850 in Supplementary Table 7, Herman et al. 2012. PubMed ID: 22335739; Table S4, Roberts et al. 2015. PubMed ID: 25589632). The c.40558G>A variant is reported in 0.0066% of alleles in individuals of Latino descent in gnomAD and has conflicting interpretations regarding its pathogenicity in ClinVar, ranging from uncertain to likely pathogenic (Variation ID: 515003). This variant is located in the TTN protein I-band region. RNAseq studies from heart tissue indicate this exon is commonly included in TTN mRNA transcripts (PSI of 96%-100%, Roberts et al. 2015. PubMed ID: 25589632). TTN loss-of-function variants occurring in constitutively expressed exons (PSI > 90%) are more likely to be disease causing for TTN cardiac-related disorders regardless of band location (Roberts et al. 2015. PubMed ID: 25589632; Schafer et al. 2017 PubMed ID: 27869827; Akhtar et al. 2020. PubMed ID: 32964742). Many cases of recessive TTN-related myopathies in which the individual is compound heterozygous for two loss-of-function variants in TTN have also been reported (Ge et al. 2019. PubMed ID: 31053406; Oates et al. 2018. PubMed ID: 29691892; Rees et al. 2021. PubMed ID: 33449170). In summary, this variant is categorized as likely pathogenic. Of note, this variant is considered likely pathogenic for increased risk of TTN-related cardiac disorders, and also for autosomal recessive TTN-related congenital titinopathies.

GeneDx
Classification: Likely pathogenic. Last evaluated: 2025-08-25. Review status: criteria provided, single submitter. Criteria: GeneDx Variant Classification Process June 2021. Collection method: clinical testing. Allele origin: germline. Affected: yes.
Comment: Not observed at significant frequency in large population cohorts (gnomAD); Alters the last nucleotide of the exon and is predicted to damage the splice donor site but the effect on protein function is unclear; Has not been previously published as pathogenic or benign to our knowledge; This variant is associated with the following publications: (PMID: 27625338, 27869827, 32778822)

Eurofins Ntd Llc (ga)
Classification: Uncertain significance. Last evaluated: 2017-09-21. Review status: criteria provided, single submitter. Criteria: EGL Classification Definitions 2015. Collection method: clinical testing. Allele origin: germline. Observed: 1 variant allele, 1 heterozygote.

Literature cited by the submitters: PubMed 17576681 (cited by Labcorp Genetics (formerly Invitae), Labcorp); PubMed 9536098 (cited by Labcorp Genetics (formerly Invitae), Labcorp); PubMed 25589632 (cited by Labcorp Genetics (formerly Invitae), Labcorp); PubMed 27493940 (cited by Labcorp Genetics (formerly Invitae), Labcorp); PubMed 32778822 (cited by Labcorp Genetics (formerly Invitae), Labcorp).

NM_001267550.2(TTN):c.40558G>A (p.Val13520Ile)

Gene: TTN (titin; minus strand). Cytogenetic location: 2q31.2.
Variant type: single nucleotide variant.
Coding change: c.40558G>A on transcript NM_001267550.2 (MANE Select); coding-DNA position 40558, G replaced by A.
Protein change: p.Val13520Ile; replaces valine 13520 with isoleucine.
Molecular consequence: missense variant.
Genome position (GRCh38, 1-based): chr2:178,642,237, C>T on the plus strand (G>A on the coding strand, the complement: TTN is on the minus strand). VCF-style: chr2-178642237-C-T. GRCh37 (hg19) VCF-style: chr2-179506964-C-T.
Other names: c.40558G>A (NM_001267550.1); c.35635G>A, p.Val11879Ile (NM_001256850.1); c.13363G>A, p.Val4455Ile (NM_003319.4); c.32854G>A, p.Val10952Ile (NM_133378.4); c.13738G>A, p.Val4580Ile (NM_133432.3); c.13939G>A, p.Val4647Ile (NM_133437.4); short protein forms V11879I, V13520I, V10952I, V4647I, V4580I, V4455I.
Identifiers: ClinVar variation 515003 (VCV000515003.14), dbSNP rs587780488, ClinGen allele CA349664595.
Genomic context (GRCh38, chr2:178,642,237, plus strand): 5'-CTTTCAAGTTCATTTTTAAAATATACTTAACGCTGACAGAATGGTTGAAAAATACTATAC[C>T]GCTTTTCAGAACAACTTCTTCCTTTGGTTCAGGTTTACGTTCCGGAAGTAATTTGCGAAC-3'
Protein context (NP_001254479.2, residues 13510-13530): EPKEEVVLKS[Val13520Ile]LRKRPEEEEP